The following is an entry in ClinVar:

NM_000051.4(ATM):c.8325del (p.Ile2776fs)

Genes: ATM (ATM serine/threonine kinase; plus strand), C11orf65 (chromosome 11 open reading frame 65; minus strand). Cytogenetic location: 11q22.3.
Variant type: Deletion.
Coding change: c.8325del on transcript NM_000051.4 (MANE Select); coding-DNA position 8325, one base deleted (C; older notation c.8325delC).
Protein change: p.Ile2776fs; shifts the reading frame from isoleucine 2776.
Molecular consequence: frameshift variant. On other transcripts: intron variant (2).
Genome position (GRCh38, 1-based): chr11:108,343,278, C deleted; the last of 4 consecutive C bases (chr11:108,343,275-108,343,278); deleting any one gives the same sequence. VCF-style (leftmost placement, unchanged base first): chr11-108343274-TC-T. GRCh37 (hg19) VCF-style: chr11-108214001-TC-T.
Other names: c.8325delC, p.Ile2776Leufs (NM_000051.3); c.8325del, p.Ile2776fs (NM_001351834.2); c.641-34204del (NM_001330368.2); c.695-7983del (NM_001351110.2); short protein forms I2776fs.
Identifiers: ClinVar variation 265556 (VCV000265556.21), dbSNP rs886039623, ClinGen allele CA10588511.

ClinVar aggregate classification (germline): Pathogenic/Likely pathogenic. Review status: criteria provided, multiple submitters, no conflicts (2 of 4 stars). 7 submissions from 7 submitters: Pathogenic (6); Likely pathogenic (1). Last evaluated 2025-04-17.

Conditions:
ATM-related disorder. Also called: ATM-related disorders; ATM-related condition.
Hereditary cancer-predisposing syndrome. Also called: Neoplastic Syndromes, Hereditary; Hereditary neoplastic syndrome; Tumor predisposition; Hereditary Cancer Syndrome. Identifiers: Orphanet 140162, MedGen C0027672, MeSH D009386, MONDO:0015356.
Ataxia-telangiectasia syndrome (AT). Also called: Ataxia telangiectasia (A-T); Cerebello-oculocutaneous telangiectasia; Immunodeficiency with ataxia telangiectasia; LOUIS-BAR SYNDROME; AT, COMPLEMENTATION GROUP C; ATAXIA-TELANGIECTASIA, FRESNO VARIANT. Identifiers: Orphanet 100, MedGen C0004135, MONDO:0008840, OMIM 208900.
Familial cancer of breast. Also called: hereditary breast carcinoma; Hereditary breast cancer; BREAST CANCER, FAMILIAL. Identifiers: Orphanet 227535, MedGen C0346153, MONDO:0016419, OMIM 114480. Disease mechanism: loss of function.

Submissions (7):

Labcorp Genetics (formerly Invitae), Labcorp
Classification: Pathogenic for Ataxia-telangiectasia syndrome. Last evaluated: 2025-04-17. Review status: criteria provided, single submitter. Criteria: Invitae Variant Classification Sherloc (09022015). Collection method: clinical testing. Allele origin: germline.
Comment: This sequence change creates a premature translational stop signal (p.Ile2776Leufs*30) in the ATM gene. It is expected to result in an absent or disrupted protein product. Loss-of-function variants in ATM are known to be pathogenic (PMID: 23807571, 25614872). This variant is not present in population databases (gnomAD no frequency). This premature translational stop signal has been observed in individual(s) with breast cancer (PMID: 26094658, 28779002). This variant is also known as "p.X2774X/c.8322*>-C". ClinVar contains an entry for this variant (Variation ID: 265556). Algorithms developed to predict the effect of sequence changes on RNA splicing suggest that this variant may disrupt the consensus splice site. For these reasons, this variant has been classified as Pathogenic.

Molecular Pathology, Peter Maccallum Cancer Centre
Classification: Pathogenic for Ataxia-telangiectasia syndrome. Last evaluated: 2024-11-27. Review status: criteria provided, single submitter. Criteria: ACMG Guidelines, 2015. Collection method: clinical testing. Allele origin: germline. Inheritance: Autosomal recessive inheritance.

Ambry Genetics
Classification: Pathogenic for Hereditary cancer-predisposing syndrome. Last evaluated: 2024-07-09. Review status: criteria provided, single submitter. Criteria: Ambry Variant Classification Scheme 2023. Collection method: clinical testing. Allele origin: germline.
Comment: The c.8325delC pathogenic mutation, located in coding exon 56 of the ATM gene, results from a deletion of one nucleotide at nucleotide position 8325, causing a translational frameshift with a predicted alternate stop codon (p.I2776Lfs*30). This alteration has been reported in at least one subject in a study of 13087 breast cancer cases and 5488 control individuals in the UK (Decker B et al. J. Med. Genet., 2017 11;54:732-741). In addition to the clinical data presented in the literature, this alteration is expected to result in loss of function by premature protein truncation or nonsense-mediated mRNA decay. As such, this alteration is interpreted as a disease-causing mutation.

Myriad Genetics, Inc.
Classification: Pathogenic for Familial cancer of breast. Last evaluated: 2024-02-01. Review status: criteria provided, single submitter. Criteria: Myriad Autosomal Dominant, Autosomal Recessive and X-Linked Classification Criteria (2023). Collection method: clinical testing. Allele origin: unknown.
Comment: This variant is considered pathogenic. This variant creates a frameshift predicted to result in premature protein truncation.

Color Diagnostics, LLC DBA Color Health
Classification: Pathogenic for Hereditary cancer-predisposing syndrome. Last evaluated: 2023-10-31. Review status: criteria provided, single submitter. Criteria: ACMG Guidelines, 2015. Collection method: clinical testing. Allele origin: germline.
Comment: This variant deletes 1 nucleotide in exon 57 of the ATM gene, creating a frameshift and premature translation stop signal. This variant is expected to result in an absent or non-functional protein product. This variant has been reported in individuals affected with breast cancer (PMID: 26094658, 28779002, 33471991). In a large international case-control study, this variant was reported in 1/60466 breast cancer cases and absent in 53461 controls (PMID: 33471991). In a separate case-control study conducted in the UK, this variant was reported in 1/13087 breast cancer cases and absent in 5488 Controls (PMID: 28779002). This variant has not been identified in the general population by the Genome Aggregation Database (gnomAD). Loss of ATM function is a known mechanism of disease. Based on the available evidence, this variant is classified as Pathogenic.

GeneDx
Classification: Pathogenic. Last evaluated: 2023-08-07. Review status: criteria provided, single submitter. Criteria: GeneDx Variant Classification Process June 2021. Collection method: clinical testing. Allele origin: germline. Affected: yes.
Comment: Frameshift variant predicted to result in protein truncation or nonsense mediated decay in a gene for which loss of function is a known mechanism of disease; Observed in individuals with ATM-related cancers (Aloraifi et al., 2015; Decker et al., 2017); Not observed at significant frequency in large population cohorts (gnomAD); Truncating variants in this gene are considered pathogenic by a well-established clinical consortium and/or database; Also known as ATM c.8322*>-C, p.X2774X; This variant is associated with the following publications: (PMID: 28888541, 26094658, 28779002, 30130155)

Blueprint Genetics
Classification: Likely pathogenic for ATM-related disorders. Last evaluated: 2023-05-26. Review status: criteria provided, single submitter. Criteria: ACMG Guidelines, 2015. Collection method: clinical testing. Allele origin: germline. Affected: yes. Observed: 1 variant allele.

Literature cited by the submitters: PubMed 23807571 (cited by Labcorp Genetics (formerly Invitae), Labcorp); PubMed 25614872 (cited by Labcorp Genetics (formerly Invitae), Labcorp); PubMed 26094658 (cited by 3 submitters); PubMed 28779002 (cited by 3 submitters); PubMed 33471991 (cited by Color Diagnostics, LLC DBA Color Health).